The following is an entry in ClinVar:

NM_014915.3(ANKRD26):c.1199A>G (p.Asn400Ser)

Gene: ANKRD26 (ankyrin repeat domain 26; minus strand). Cytogenetic location: 10p12.1.
Variant type: single nucleotide variant.
Coding change: c.1199A>G on transcript NM_014915.3 (MANE Select); coding-DNA position 1199, A replaced by G.
Protein change: p.Asn400Ser; replaces asparagine 400 with serine.
Molecular consequence: missense variant.
Genome position (GRCh38, 1-based): chr10:27,067,165, T>C on the plus strand (A>G on the coding strand, the complement: ANKRD26 is on the minus strand). VCF-style: chr10-27067165-T-C. GRCh37 (hg19) VCF-style: chr10-27356094-T-C.
Other names: c.1199A>G, p.Asn400Ser (NM_001256053.2); short protein forms N400S.
Identifiers: ClinVar variation 2046817 (VCV002046817.26), dbSNP rs779236210, ClinGen allele CA5448668.

ClinVar aggregate classification (germline): Uncertain significance. Review status: criteria provided, multiple submitters, no conflicts (2 of 4 stars). 4 submissions from 4 submitters: Uncertain significance (4). Last evaluated 2025-03-15.

Conditions:
Inborn genetic diseases. Identifiers: MedGen C0950123, MeSH D030342.

Allele frequency attached by ClinVar (database versions not stated): gnomAD exomes below 0.00001; ExAC 0.00001; gnomAD 0.00001; TOPMed 0.00001.

Submissions (4):

Ambry Genetics
Classification: Uncertain significance for Inborn genetic diseases. Last evaluated: 2025-03-15. Review status: criteria provided, single submitter. Criteria: Ambry Variant Classification Scheme 2023. Collection method: clinical testing. Allele origin: germline.
Comment: The p.N400S variant (also known as c.1199A>G), located in coding exon 10 of the ANKRD26 gene, results from an A to G substitution at nucleotide position 1199. The asparagine at codon 400 is replaced by serine, an amino acid with highly similar properties. This amino acid position is conserved. In addition, this alteration is predicted to be tolerated by in silico analysis. Based on the available evidence, the clinical significance of this variant remains unclear.

CeGaT Center for Human Genetics Tuebingen
Classification: Uncertain significance. Last evaluated: 2024-03-01. Review status: criteria provided, single submitter. Criteria: CeGaT Center For Human Genetics Tuebingen Variant Classification Criteria Version 2. Collection method: clinical testing. Allele origin: germline. Affected: yes. Observed: 1 variant allele.
Comment: ANKRD26: PM2, BP4

GeneDx
Classification: Uncertain significance. Last evaluated: 2023-10-25. Review status: criteria provided, single submitter. Criteria: GeneDx Variant Classification Process June 2021. Collection method: clinical testing. Allele origin: germline. Affected: yes.
Comment: Not observed at significant frequency in large population cohorts (gnomAD); In silico analysis supports that this missense variant does not alter protein structure/function; Has not been previously published as pathogenic or benign to our knowledge

Labcorp Genetics (formerly Invitae), Labcorp
Classification: Uncertain significance. Last evaluated: 2022-08-22. Review status: criteria provided, single submitter. Criteria: Invitae Variant Classification Sherloc (09022015). Collection method: clinical testing. Allele origin: germline.
Comment: In summary, the available evidence is currently insufficient to determine the role of this variant in disease. Therefore, it has been classified as a Variant of Uncertain Significance. Algorithms developed to predict the effect of missense changes on protein structure and function output the following: SIFT: "Tolerated"; PolyPhen-2: "Benign"; Align-GVGD: "Class C0". The serine amino acid residue is found in multiple mammalian species, which suggests that this missense change does not adversely affect protein function. This variant has not been reported in the literature in individuals affected with ANKRD26-related conditions. This variant is present in population databases (rs779236210, gnomAD 0.01%). This sequence change replaces asparagine, which is neutral and polar, with serine, which is neutral and polar, at codon 400 of the ANKRD26 protein (p.Asn400Ser).